The following is an entry in ClinVar:

NM_001353345.2(SETD1B):c.2118C>G (p.Pro706=)

Gene: SETD1B (SET domain containing 1B, histone lysine methyltransferase; plus strand). Cytogenetic location: 12q24.31.
Variant type: single nucleotide variant.
Coding change: c.2118C>G on transcript NM_001353345.2 (MANE Select); coding-DNA position 2118, C replaced by G.
Protein change: p.Pro706=; no amino-acid change (proline 706 retained).
Molecular consequence: synonymous variant.
Genome position (GRCh38, 1-based): chr12:121,814,333, C>G. VCF-style: chr12-121814333-C-G. GRCh37 (hg19) VCF-style: chr12-122252239-C-G.
Identifiers: ClinVar variation 2643442 (VCV002643442.24), dbSNP rs1446180747, ClinGen allele CA482433937.
Genomic context (GRCh38, chr12:121,814,333, plus strand): 5'-CTTCCCCCCGCTGCCCCCCCCACCACCACCACCCCCACCGCAGCCTGGCTTCCCCATGCC[C>G]CCACCGCTGCCCCCACCGCCGCCCCCACCCCCTCCAGCCCACCCTGCTGTGACAGTGCCC-3'
Protein context (NP_001340274.1, residues 696-716): PPPPQPGFPM[Pro706=]PPLPPPPPPP

ClinVar aggregate classification (germline): Likely benign (1 of 4 stars; one submission).

Submission:

CeGaT Center for Human Genetics Tuebingen
Classification: Likely benign. Last evaluated: 2023-01-01. Review status: criteria provided, single submitter. Criteria: CeGaT Center For Human Genetics Tuebingen Variant Classification Criteria Version 2. Collection method: clinical testing. Allele origin: germline. Affected: yes. Observed: 1 variant allele.
Comment: SETD1B: BP4, BP7